The following is an entry in ClinVar:

NM_000891.3(KCNJ2):c.896A>T (p.Glu299Val)

Gene: KCNJ2 (potassium inwardly rectifying channel subfamily J member 2; plus strand). Cytogenetic location: 17q24.3.
Variant type: single nucleotide variant.
Coding change: c.896A>T on transcript NM_000891.3 (MANE Select); coding-DNA position 896, A replaced by T.
Protein change: p.Glu299Val; replaces glutamic acid 299 with valine.
Molecular consequence: missense variant.
Genome position (GRCh38, 1-based): chr17:70,175,935, A>T. VCF-style: chr17-70175935-A-T. GRCh37 (hg19) VCF-style: chr17-68172076-A-T.
Other names: p.E299V:GAA>GTA; short protein forms E299V.
Identifiers: ClinVar variation 190815 (VCV000190815.2), dbSNP rs786205817, ClinGen allele CA302052.

ClinVar aggregate classification (germline): Likely pathogenic. Review status: criteria provided, single submitter (1 of 4 stars). 2 submissions from 2 submitters: Likely pathogenic (1). 1 of the submissions does not count toward it. Last evaluated 2016-12-07.

Conditions:
Short QT syndrome type 3. Identifiers: Orphanet 51083, MedGen C1865018, MONDO:0012314, OMIM 609622.

Submissions (2):

GeneDx
Classification: Likely pathogenic. Last evaluated: 2016-12-07. Review status: criteria provided, single submitter. Criteria: GeneDx Variant Classification (06012015). Collection method: clinical testing. Allele origin: germline. Affected: yes.
Comment: p.Glu299Val (GAA>GTA): c.896 A>T in exon 2 of the KCNJ2 gene (NM_000891.2). Glu299Val in the KCNJ2 gene has been reported recently as a de novo mutation in a child with SQTS and atrial fibrillation, and was absent from 400 control individuals in this study (Deo M et al., 2013). Functional in vitro studies demonstrated that Glu299Val leads to impaired or absent inward rectification properties of the Kir2.1 potassium channel, and computer simulations predicted that this could result in a shortened QT interval in vivo (Deo M et al., 2013). Glu299Val is a non-conservative amino acid substitution of a negatively-charged Glutamic acid with a neutral Valine at a position that is well conserved across species. Consequently, in silico analysis predicts Glu299Val is damaging to the protein structure/function. Mutations in nearby residues (Gly300Ala, Gly300Asp, Gly300Val, Val302Met) have been reported in association with Andersen-Tawil syndrome, and Met301Lys has been reported in association with SQTS (Hattori T et al., 2011), further supporting the functional importance of this region of the protein. In addition, the Glu299Val variant was not observed in approximately 6500 individuals of European and African American ancestry in the NHLBI Exome Sequencing Project, indicating it is not a common benign variant in these populations. In summary, Glu299Lys in the KCNJ2 gene is interpreted as a disease-causing mutation. The variant is found in SQT panel(s).

OMIM
Classification: Pathogenic for SHORT QT SYNDROME 3. Last evaluated: 2013-03-12. Review status: no assertion criteria provided. Collection method: literature only. Allele origin: germline. Not counted in ClinVar's aggregate classification.

Literature cited by the submitters: PubMed 23440193 (cited by OMIM).